The following is an entry in ClinVar:

ClinVar aggregate classification (germline): Likely pathogenic (1 of 4 stars; one submission).

Conditions:
Dyskeratosis congenita, autosomal dominant 2. Identifiers: MedGen C3151443, MONDO:0013521, OMIM 613989.
Idiopathic Pulmonary Fibrosis. Also called: Idiopathic fibrosing alveolitis, chronic form; idiopathic fibrosing alveolitis. Identifiers: Orphanet 2032, MedGen C1800706, MeSH D054990, MONDO:0800504.

Submission:

Labcorp Genetics (formerly Invitae), Labcorp
Classification: Likely pathogenic for Dyskeratosis congenita, autosomal dominant 2; Idiopathic Pulmonary Fibrosis. Last evaluated: 2024-09-08. Review status: criteria provided, single submitter. Criteria: Invitae Variant Classification Sherloc (09022015). Collection method: clinical testing. Allele origin: germline.
Comment: This sequence change affects an acceptor splice site in intron 14 of the TERT gene. It is expected to disrupt RNA splicing. Variants that disrupt the donor or acceptor splice site typically lead to a loss of protein function (PMID: 16199547), and loss-of-function variants in TERT are known to be pathogenic (PMID: 16247010, 17460043). This variant is not present in population databases (gnomAD no frequency). This variant has not been reported in the literature in individuals affected with TERT-related conditions. Algorithms developed to predict the effect of sequence changes on RNA splicing suggest that this variant may disrupt the consensus splice site. In summary, the currently available evidence indicates that the variant is pathogenic, but additional data are needed to prove that conclusively. Therefore, this variant has been classified as Likely Pathogenic.

Literature cited by the submitters: PubMed 16199547; PubMed 16247010; PubMed 17460043.

NM_198253.3(TERT):c.3158-2A>C

Gene: TERT (telomerase reverse transcriptase; minus strand). Cytogenetic location: 5p15.33.
Variant type: single nucleotide variant.
Coding change: c.3158-2A>C on transcript NM_198253.3 (MANE Select); the canonical splice acceptor site of the intron before coding-DNA position 3158, A replaced by C.
Molecular consequence: splice acceptor variant.
Genome position (GRCh38, 1-based): chr5:1,254,507, T>G on the plus strand (A>C on the coding strand, the complement: TERT is on the minus strand). VCF-style: chr5-1254507-T-G. GRCh37 (hg19) VCF-style: chr5-1254622-T-G.
Other names: c.2969-2A>C (NM_001193376.3).
Identifiers: ClinVar variation 3763811 (VCV003763811.2).